The following is an entry in ClinVar:

ClinVar aggregate classification (germline): Uncertain significance (1 of 4 stars; one submission).

Conditions:
Hereditary cancer-predisposing syndrome. Also called: Neoplastic Syndromes, Hereditary; Tumor predisposition; Hereditary Cancer Syndrome; Hereditary neoplastic syndrome. Identifiers: Orphanet 140162, MedGen C0027672, MeSH D009386, MONDO:0015356.

Submission:

Ambry Genetics
Classification: Uncertain significance for Hereditary cancer-predisposing syndrome. Last evaluated: 2022-05-16. Review status: criteria provided, single submitter. Criteria: Ambry Variant Classification Scheme 2023. Collection method: clinical testing. Allele origin: germline.
Comment: The p.D99G variant (also known as c.296A>G), located in coding exon 2 of the FLCN gene, results from an A to G substitution at nucleotide position 296. The aspartic acid at codon 99 is replaced by glycine, an amino acid with similar properties. This amino acid position is conserved. In addition, this alteration is predicted to be deleterious by in silico analysis. Since supporting evidence is limited at this time, the clinical significance of this alteration remains unclear.

NM_144997.7(FLCN):c.296A>G (p.Asp99Gly)

Gene: FLCN (folliculin; minus strand). Cytogenetic location: 17p11.2.
Variant type: single nucleotide variant.
Coding change: c.296A>G on transcript NM_144997.7 (MANE Select); coding-DNA position 296, A replaced by G.
Protein change: p.Asp99Gly; replaces aspartic acid 99 with glycine.
Molecular consequence: missense variant.
Genome position (GRCh38, 1-based): chr17:17,226,276, T>C on the plus strand (A>G on the coding strand, the complement: FLCN is on the minus strand). VCF-style: chr17-17226276-T-C. GRCh37 (hg19) VCF-style: chr17-17129590-T-C.
Other names: c.296A>G, p.Asp99Gly (NM_001353229.2, NM_001353230.2, NM_001353231.2 and 1 more transcripts); short protein forms D99G.
Identifiers: ClinVar variation 1798257 (VCV001798257.2), dbSNP rs2544282728, ClinGen allele CA398534901.